The following is an entry in ClinVar:

ClinVar aggregate classification (germline): Uncertain significance (1 of 4 stars; one submission).

Conditions:
Gorlin syndrome. Also called: Basal cell nevus syndrome; Nevoid Basal Cell Carcinoma Syndrome. Identifiers: Orphanet 377, MedGen C0004779, MONDO:0007187.

Submission:

Labcorp Genetics (formerly Invitae), Labcorp
Classification: Uncertain significance for Gorlin syndrome. Last evaluated: 2022-05-18. Review status: criteria provided, single submitter. Criteria: Invitae Variant Classification Sherloc (09022015). Collection method: clinical testing. Allele origin: germline.
Comment: Algorithms developed to predict the effect of missense changes on protein structure and function are either unavailable or do not agree on the potential impact of this missense change (SIFT: "Tolerated"; PolyPhen-2: "Probably Damaging"; Align-GVGD: "Class C0"). In summary, the available evidence is currently insufficient to determine the role of this variant in disease. Therefore, it has been classified as a Variant of Uncertain Significance. This variant has not been reported in the literature in individuals affected with PTCH1-related conditions. This variant is not present in population databases (gnomAD no frequency). This sequence change replaces asparagine, which is neutral and polar, with lysine, which is basic and polar, at codon 310 of the PTCH1 protein (p.Asn310Lys).

NM_000264.5(PTCH1):c.930C>G (p.Asn310Lys)

Gene: PTCH1 (patched 1; minus strand). Cytogenetic location: 9q22.32.
Variant type: single nucleotide variant.
Coding change: c.930C>G on transcript NM_000264.5 (MANE Select); coding-DNA position 930, C replaced by G.
Protein change: p.Asn310Lys; replaces asparagine 310 with lysine.
Molecular consequence: missense variant. On other transcripts: non-coding transcript variant (1).
Genome position (GRCh38, 1-based): chr9:95,480,405, G>C on the plus strand (C>G on the coding strand, the complement: PTCH1 is on the minus strand). VCF-style: chr9-95480405-G-C. GRCh37 (hg19) VCF-style: chr9-98242687-G-C.
Other names: c.732C>G, p.Asn244Lys (NM_001083602.3); c.927C>G, p.Asn309Lys (NM_001083603.3); c.477C>G, p.Asn159Lys (NM_001083604.3, NM_001083605.3, NM_001083606.3 and 1 more transcripts); c.930C>G, p.Asn310Lys (NM_001354918.2); short protein forms N159K, N244K, N310K, N309K.
Identifiers: ClinVar variation 1996057 (VCV001996057.4), dbSNP rs768166430, ClinGen allele CA374113651.